The following is an entry in ClinVar:

ClinVar aggregate classification (germline): Pathogenic (1 of 4 stars; one submission).

Conditions:
Microphthalmia, syndromic 12 (MCOPS12). Also called: MICROPHTHALMIA WITH OR WITHOUT PULMONARY HYPOPLASIA, DIAPHRAGMATIC HERNIA, AND/OR CARDIAC DEFECTS. Identifiers: Orphanet 2470, Orphanet 689829, MedGen C3809803, MONDO:0014229, OMIM 615524.

Submission:

Variantyx, Inc.
Classification: Pathogenic for Microphthalmia, syndromic 12. Last evaluated: 2025-08-07. Review status: criteria provided, single submitter. Criteria: Variantyx Assertion Criteria 2022. Collection method: clinical testing. Allele origin: de novo. Inheritance: Autosomal dominant inheritance. Affected: yes.
Comment: This is a frameshift variant in the RARB gene (OMIM: 180220). Pathogenic variants in this gene have been associated with autosomal dominant syndromic microphthalmia 12. This variant introduces a premature termination codon in exon 8 out of 8and is expected to result in loss of function, which is a known disease mechanism for RARB in this disorder (PMID: 24075189, 31816153) (PVS1). This variant is absent from control populations (PM2), and it has not been reported in individuals with RARB-related disorders in the databases available for review. Based on the current evidence, this variant is classified as pathogenic for autosomal dominant syndromic microphthalmia 12.

Literature cited by the submitters: PubMed 24075189; PubMed 31816153; PubMed 30281527.

NM_000965.5(RARB):c.1165del (p.Ile389fs)

Gene: RARB (retinoic acid receptor beta; plus strand). Cytogenetic location: 3p24.2.
Variant type: Deletion.
Coding change: c.1165del on transcript NM_000965.5 (MANE Select); coding-DNA position 1165, one base deleted (A; older notation c.1165delA).
Protein change: p.Ile389fs; shifts the reading frame from isoleucine 389.
Molecular consequence: frameshift variant. On other transcripts: non-coding transcript variant (2).
Genome position (GRCh38, 1-based): chr3:25,596,434, A deleted; the last of 2 consecutive A bases (chr3:25,596,433-25,596,434); deleting either gives the same sequence. VCF-style (leftmost placement, unchanged base first): chr3-25596432-TA-T. GRCh37 (hg19) VCF-style: chr3-25637923-TA-T.
Other names: c.1186del, p.Ile396fs (NM_001290216.3); c.829del, p.Ile277fs (NM_001290217.2, NM_001290276.2, NM_016152.4); c.1018del, p.Ile340fs (NM_001290266.2); c.1027del, p.Ile343fs (NM_001290277.1); c.1036del, p.Ile346fs (NM_001290300.2); short protein forms I277fs, I340fs, I343fs, I346fs, I389fs, I396fs.
Identifiers: ClinVar variation 4852251 (VCV004852251.1).
Genomic context (GRCh38, chr3:25,596,432, plus strand): 5'-AGCTTAACTCCTTATCTTAACCATATTTCCATTATCTCTTTTGAAAAGGTGCAGAGCGTG[TA>T]ATTACCTTGAAAATGGAAATTCCTGGATCAATGCCACCTCTCATTCAAGAAATGCTGGAG-3'